The following is an entry in ClinVar:

ClinVar aggregate classification (germline): Likely pathogenic (1 of 4 stars; one submission).

Conditions:
Mitochondrial complex I deficiency, nuclear type 1. Also called: NADH-COENZYME Q REDUCTASE DEFICIENCY; MITOCHONDRIAL NADH DEHYDROGENASE COMPONENT OF COMPLEX I, DEFICIENCY OF. Identifiers: MedGen C6022305, MONDO:0100224, OMIM 252010.

Submission:

Payam Genetics Center, General Welfare Department of North Khorasan Province
Classification: Likely pathogenic for Mitochondrial complex I deficiency, nuclear type 1. Last evaluated: 2023-03-01. Review status: criteria provided, single submitter. Criteria: ACMG Guidelines, 2015. Collection method: clinical testing. Allele origin: germline. Affected: no. Observed: 1 variant allele.
Comment: The TIMMDC1 c.191_192 delAA (p.Lys64fs) results in a premature termination codon, predicted to cause a truncation of the encoded protein or absence of the protein due to nonsense mediated decay, which are commonly known mechanisms for disease.This variant is not present in population databases (ExAC no frequency). This variant has not been reported in the literature in individuals affected with TIMMDC1-related conditions and Iranom ( Iranian population genom). Truncations downstream of this position have been classified as pathogenic within ClinVar.

NM_016589.4(TIMMDC1):c.191_192del (p.Lys64fs)

Gene: TIMMDC1 (translocase of inner mitochondrial membrane domain containing 1; plus strand). Cytogenetic location: 3q13.33.
Variant type: Deletion.
Coding change: c.191_192del on transcript NM_016589.4 (MANE Select); coding-DNA positions 191 to 192, 2 bases deleted (AA; older notation c.191_192delAA).
Protein change: p.Lys64fs; shifts the reading frame from lysine 64.
Molecular consequence: frameshift variant.
Genome position (GRCh38, 1-based): chr3:119,498,924-119,498,925, AA deleted; deleting any 2 consecutive bases within chr3:119,498,923-119,498,925 gives the same sequence; the c. name uses the placement nearest the transcript's 3' end. VCF-style (leftmost placement, unchanged base first): chr3-119498922-CAA-C. GRCh37 (hg19) VCF-style: chr3-119217769-CAA-C.
Other names: c.191_192delAA (NM_016589.4); short protein forms K64fs.
Identifiers: ClinVar variation 2498078 (VCV002498078.2), dbSNP rs2473061402, ClinGen allele CA2580068597.